The following is an entry in ClinVar:

ClinVar aggregate classification (germline): Uncertain significance (1 of 4 stars; one submission).

Allele frequency attached by ClinVar (database versions not stated): ESP Exome Variant Server 0.00008; gnomAD exomes 0.00001; TOPMed 0.00011; gnomAD 0.00012; ExAC 0.00005.
gnomAD v4.1: 27 of 1,556,000 alleles (0.0017%); highest among the groups gnomAD compares: African/African-American, 0.036%; no homozygotes.

Submission:

Labcorp Genetics (formerly Invitae), Labcorp
Classification: Uncertain significance. Last evaluated: 2025-03-13. Review status: criteria provided, single submitter. Criteria: Invitae Variant Classification Sherloc (09022015). Collection method: clinical testing. Allele origin: germline.
Comment: This sequence change replaces alanine, which is neutral and non-polar, with threonine, which is neutral and polar, at codon 917 of the MYH14 protein (p.Ala917Thr). This variant is present in population databases (rs371930147, gnomAD 0.03%). This variant has not been reported in the literature in individuals affected with MYH14-related conditions. ClinVar contains an entry for this variant (Variation ID: 2720071). Invitae Evidence Modeling of protein sequence and biophysical properties (such as structural, functional, and spatial information, amino acid conservation, physicochemical variation, residue mobility, and thermodynamic stability) indicates that this missense variant is not expected to disrupt MYH14 protein function with a negative predictive value of 80%. In summary, the available evidence is currently insufficient to determine the role of this variant in disease. Therefore, it has been classified as a Variant of Uncertain Significance.

NM_001145809.2(MYH14):c.2872G>A (p.Ala958Thr)

Gene: MYH14 (myosin heavy chain 14; plus strand). Cytogenetic location: 19q13.33.
Variant type: single nucleotide variant.
Coding change: c.2872G>A on transcript NM_001145809.2 (MANE Select); coding-DNA position 2872, G replaced by A.
Protein change: p.Ala958Thr; replaces alanine 958 with threonine.
Molecular consequence: missense variant.
Genome position (GRCh38, 1-based): chr19:50,268,206, G>A. VCF-style: chr19-50268206-G-A. GRCh37 (hg19) VCF-style: chr19-50771463-G-A.
Other names: c.2773G>A, p.Ala925Thr (NM_001077186.2); c.2749G>A, p.Ala917Thr (NM_024729.4); short protein forms A958T, A925T, A917T.
Identifiers: ClinVar variation 2720071 (VCV002720071.3), dbSNP rs371930147, ClinGen allele CA9593065.
Genomic context (GRCh38, chr19:50,268,206, plus strand): 5'-CCACACACTCCCCAGCTGGAAGAGGAGCGCGCCCGCCTGGCAGAGCAATTGCGAGCAGAG[G>A]CAGAACTGTGTGCAGAGGCCGAGGAGACGCGGGGGAGGCTGGCAGCCCGCAAGCAGGAGC-3'
Protein context (NP_001139281.1, residues 948-968): ARLAEQLRAE[Ala958Thr]ELCAEAEETR